The following is an entry in ClinVar:

NM_020754.4(ARHGAP31):c.3050A>G (p.Glu1017Gly)

Gene: ARHGAP31 (Rho GTPase activating protein 31; plus strand). Cytogenetic location: 3q13.33.
Variant type: single nucleotide variant.
Coding change: c.3050A>G on transcript NM_020754.4 (MANE Select); coding-DNA position 3050, A replaced by G.
Protein change: p.Glu1017Gly; replaces glutamic acid 1017 with glycine.
Molecular consequence: missense variant.
Genome position (GRCh38, 1-based): chr3:119,414,979, A>G. VCF-style: chr3-119414979-A-G. GRCh37 (hg19) VCF-style: chr3-119133826-A-G.
Other names: short protein forms E1017G.
Identifiers: ClinVar variation 3655155 (VCV003655155.2).
Genomic context (GRCh38, chr3:119,414,979, plus strand): 5'-CTGGATGGGATGAGAAAGCCCTGAGGTCCTTCAGAGAGTTCTCTGGCCTGAAAGGGGCAG[A>G]GGCTCCTCCCAACCAGAAGGGACCAAGTGGTGTGCAACCCAACCCAGCAGAAACCAGCCC-3'
Protein context (NP_065805.2, residues 1007-1027): FREFSGLKGA[Glu1017Gly]APPNQKGPSG

ClinVar aggregate classification (germline): Uncertain significance (1 of 4 stars; one submission).

gnomAD v4.1: 1 of 1,614,158 alleles (0.000062%); highest among the groups gnomAD compares: Non-Finnish European, 0.000085%; no homozygotes.

Submission:

Labcorp Genetics (formerly Invitae), Labcorp
Classification: Uncertain significance. Last evaluated: 2024-05-31. Review status: criteria provided, single submitter. Criteria: Invitae Variant Classification Sherloc (09022015). Collection method: clinical testing. Allele origin: germline.
Comment: This sequence change replaces glutamic acid, which is acidic and polar, with glycine, which is neutral and non-polar, at codon 1017 of the ARHGAP31 protein (p.Glu1017Gly). This variant is not present in population databases (gnomAD no frequency). This variant has not been reported in the literature in individuals affected with ARHGAP31-related conditions. An algorithm developed to predict the effect of missense changes on protein structure and function (PolyPhen-2) suggests that this variant is likely to be disruptive. In summary, the available evidence is currently insufficient to determine the role of this variant in disease. Therefore, it has been classified as a Variant of Uncertain Significance.